The following is an entry in ClinVar:

NM_015335.5(MED13L):c.4246C>T (p.Arg1416Cys)

Gene: MED13L (mediator complex subunit 13L; minus strand). Cytogenetic location: 12q24.21.
Variant type: single nucleotide variant.
Coding change: c.4246C>T on transcript NM_015335.5 (MANE Select); coding-DNA position 4246, C replaced by T.
Protein change: p.Arg1416Cys; replaces arginine 1416 with cysteine.
Molecular consequence: missense variant.
Genome position (GRCh38, 1-based): chr12:115,986,358, G>A on the plus strand (C>T on the coding strand, the complement: MED13L is on the minus strand). VCF-style: chr12-115986358-G-A. GRCh37 (hg19) VCF-style: chr12-116424163-G-A.
Other names: short protein forms R1416C.
Identifiers: ClinVar variation 4681455 (VCV004681455.5).

ClinVar aggregate classification (germline): Likely benign (1 of 4 stars; one submission).

gnomAD v4.1: 6 of 1,613,952 alleles (0.00037%); highest among the groups gnomAD compares: South Asian, 0.0011%; no homozygotes.

Submission:

CeGaT Center for Human Genetics Tuebingen
Classification: Likely benign. Last evaluated: 2025-12-01. Review status: criteria provided, single submitter. Criteria: CeGaT Center For Human Genetics Tuebingen Variant Classification Criteria Version 2. Collection method: clinical testing. Allele origin: germline. Affected: yes. Observed: 1 variant allele.
Comment: MED13L: PM5, BS2